The following is an entry in ClinVar:

ClinVar aggregate classification (germline): Uncertain significance (1 of 4 stars; one submission).

Submission:

Labcorp Genetics (formerly Invitae), Labcorp
Classification: Uncertain significance. Last evaluated: 2022-06-13. Review status: criteria provided, single submitter. Criteria: Invitae Variant Classification Sherloc (09022015). Collection method: clinical testing. Allele origin: germline.
Comment: In summary, the available evidence is currently insufficient to determine the role of this variant in disease. Therefore, it has been classified as a Variant of Uncertain Significance. Algorithms developed to predict the effect of missense changes on protein structure and function output the following: SIFT: "Tolerated"; PolyPhen-2: "Benign"; Align-GVGD: "Class C0". The serine amino acid residue is found in multiple mammalian species, which suggests that this missense change does not adversely affect protein function. This variant has not been reported in the literature in individuals affected with IMPG2-related conditions. This variant is not present in population databases (gnomAD no frequency). This sequence change replaces alanine, which is neutral and non-polar, with serine, which is neutral and polar, at codon 207 of the IMPG2 protein (p.Ala207Ser).

NM_016247.4(IMPG2):c.619G>T (p.Ala207Ser)

Gene: IMPG2 (interphotoreceptor matrix proteoglycan 2; minus strand). Cytogenetic location: 3q12.3.
Variant type: single nucleotide variant.
Coding change: c.619G>T on transcript NM_016247.4 (MANE Select); coding-DNA position 619, G replaced by T.
Protein change: p.Ala207Ser; replaces alanine 207 with serine.
Molecular consequence: missense variant.
Genome position (GRCh38, 1-based): chr3:101,275,710, C>A on the plus strand (G>T on the coding strand, the complement: IMPG2 is on the minus strand). VCF-style: chr3-101275710-C-A. GRCh37 (hg19) VCF-style: chr3-100994554-C-A.
Other names: short protein forms A207S.
Identifiers: ClinVar variation 1947769 (VCV001947769.4), dbSNP rs779070990, ClinGen allele CA353868304.